The following is an entry in ClinVar:

NM_004168.4(SDHA):c.825C>T (p.Asp275=)

Gene: SDHA (succinate dehydrogenase complex flavoprotein subunit A; plus strand). Cytogenetic location: 5p15.33.
Variant type: single nucleotide variant.
Coding change: c.825C>T on transcript NM_004168.4 (MANE Select); coding-DNA position 825, C replaced by T.
Protein change: p.Asp275=; no amino-acid change (aspartic acid 275 retained).
Molecular consequence: synonymous variant.
Genome position (GRCh38, 1-based): chr5:230,930, C>T. VCF-style: chr5-230930-C-T. GRCh37 (hg19) VCF-style: chr5-231045-C-T.
Other names: c.681C>T, p.Asp227= (NM_001294332.2); c.825C>T, p.Asp275= (NM_001330758.2).
Identifiers: ClinVar variation 472406 (VCV000472406.21), dbSNP rs1237373391, ClinGen allele CA442691492.
Genomic context (GRCh38, chr5:230,930, plus strand): 5'-TTCCAGAGGCTACGGGCGCACCTACTTCAGCTGCACGTCTGCCCACACCAGCACTGGCGA[C>T]GGCACGGCCATGATCACCAGGGCAGGCCTTCCTTGCCAGGACCTAGAGTTTGTTCAGTTC-3'
Protein context (NP_004159.2, residues 265-285): SCTSAHTSTG[Asp275=]GTAMITRAGL

ClinVar aggregate classification (germline): Benign/Likely benign. Review status: criteria provided, multiple submitters, no conflicts (2 of 4 stars). 4 submissions from 4 submitters: Benign (2); Likely benign (2). Last evaluated 2025-08-13.

Conditions:
Pheochromocytoma/paraganglioma syndrome 5. Also called: Paragangliomas 5; SDHA-Related Hereditary Paraganglioma-Pheochromocytoma Syndrome. Identifiers: Orphanet 29072, MedGen C3279992, MONDO:0013602, OMIM 614165.
Hereditary cancer-predisposing syndrome. Also called: Neoplastic Syndromes, Hereditary; Hereditary Cancer Syndrome; Hereditary neoplastic syndrome; Tumor predisposition. Identifiers: Orphanet 140162, MedGen C0027672, MeSH D009386, MONDO:0015356.
Mitochondrial complex II deficiency, nuclear type 1. Also called: SUCCINATE CoQ REDUCTASE DEFICIENCY. Identifiers: Orphanet 3208, MedGen C5700310, MONDO:0100294, OMIM 252011.

Allele frequency attached by ClinVar (database versions not stated): gnomAD exomes below 0.00001 and 0.00002; TOPMed 0.00001.
gnomAD v4.1: 6 of 1,614,074 alleles (0.00037%); highest among the groups gnomAD compares: East Asian, 0.0045%; no homozygotes.

Submissions (4):

Labcorp Genetics (formerly Invitae), Labcorp
Classification: Likely benign for Pheochromocytoma/paraganglioma syndrome 5; Mitochondrial complex II deficiency, nuclear type 1. Last evaluated: 2025-08-13. Review status: criteria provided, single submitter. Criteria: Invitae Variant Classification Sherloc (09022015). Collection method: clinical testing. Allele origin: germline.

Myriad Genetics, Inc.
Classification: Benign for Pheochromocytoma/paraganglioma syndrome 5. Last evaluated: 2025-03-03. Review status: criteria provided, single submitter. Criteria: Myriad Autosomal Dominant, Autosomal Recessive and X-Linked Classification Criteria (2023). Collection method: clinical testing. Allele origin: unknown.
Comment: This variant is considered benign. This variant is a silent/synonymous amino acid change and it is not expected to impact splicing.

Ambry Genetics
Classification: Likely benign for Hereditary cancer-predisposing syndrome. Last evaluated: 2021-04-14. Review status: criteria provided, single submitter. Criteria: Ambry Variant Classification Scheme 2023. Collection method: clinical testing. Allele origin: germline.

Sema4
Classification: Benign for Hereditary cancer-predisposing syndrome. Last evaluated: 2021-02-10. Review status: criteria provided, single submitter. Criteria: Sema4 Curation Guidelines. Collection method: curation. Allele origin: germline.